The following is an entry in ClinVar:

ClinVar aggregate classification (germline): Pathogenic. Review status: criteria provided, multiple submitters, no conflicts (2 of 4 stars). 7 submissions from 6 submitters: Pathogenic (5). 2 of the submissions do not count toward it. Last evaluated 2024-01-31.

Conditions:
Maturity-onset diabetes of the young (MODY). Also called: Maturity onset diabetes mellitus in young. Identifiers: Orphanet 552, MedGen C0342276, MONDO:0018911, HP:0004904.
Type 2 diabetes mellitus. Also called: Type II diabetes mellitus. Identifiers: MedGen C0011860, MeSH D003924, MONDO:0005148, OMIM 125853, HP:0005978.
Hyperinsulinemic hypoglycemia, familial, 1 (HHF1). Also called: Persistent hyperinsulinemic hypoglycemia of infancy; HYPERINSULINISM, FAMILIAL, WITH PANCREATIC NESIDIOBLASTOSIS; HYPOGLYCEMIA, HYPERINSULINEMIC, OF INFANCY; NESIDIOBLASTOSIS OF PANCREAS; Persistent Hyperinsulinemia Hypoglycemia of Infancy. Identifiers: Orphanet 276575, Orphanet 276598, MedGen C2931832, MONDO:0009734, OMIM 256450.
Neonatal diabetes mellitus (NDM). Identifiers: Orphanet 224, MedGen C0158981, MONDO:0016391.
Familial hyperinsulinism. Also called: Congenital hyperinsulinism. Identifiers: Orphanet 276525, MedGen C3888018, MONDO:0017182. Disease mechanism: loss of function.

Allele frequency attached by ClinVar (database versions not stated): gnomAD exomes below 0.00001; TOPMed below 0.00001.
gnomAD v4.1: 2 of 1,614,210 alleles (0.00012%); highest among the groups gnomAD compares: Non-Finnish European, 0.00017%; no homozygotes.

Submissions (7):

Labcorp Genetics (formerly Invitae), Labcorp
Classification: Pathogenic. Last evaluated: 2024-01-31. Review status: criteria provided, single submitter. Criteria: Invitae Variant Classification Sherloc (09022015). Collection method: clinical testing. Allele origin: germline.
Comment: This sequence change creates a premature translational stop signal (p.Trp232*) in the ABCC8 gene. It is expected to result in an absent or disrupted protein product. Loss-of-function variants in ABCC8 are known to be pathogenic (PMID: 20685672, 23345197). This variant is not present in population databases (gnomAD no frequency). This premature translational stop signal has been observed in individual(s) with autosomal recessive ABCC8-related conditions (PMID: 23275527). ClinVar contains an entry for this variant (Variation ID: 633027). For these reasons, this variant has been classified as Pathogenic.

Baylor Genetics
Classification: Pathogenic for Type 2 diabetes mellitus. Last evaluated: 2023-07-02. Review status: criteria provided, single submitter. Criteria: ACMG Guidelines, 2015. Collection method: clinical testing. Allele origin: unknown.

Genetic Services Laboratory, University of Chicago
Classification: Pathogenic. Last evaluated: 2020-09-03. Review status: criteria provided, single submitter. Criteria: ACMG Guidelines, 2015. Collection method: clinical testing. Allele origin: germline. Affected: yes.

Mendelics
Classification: Pathogenic for Hyperinsulinemic hypoglycemia, familial, 1. Last evaluated: 2019-05-28. Review status: criteria provided, single submitter. Criteria: Mendelics Assertion Criteria 2017. Collection method: clinical testing. Allele origin: unknown.

Women's Health and Genetics/Laboratory Corporation of America, LabCorp
Classification: Pathogenic for Familial hyperinsulinism. Last evaluated: 2018-10-11. Review status: criteria provided, single submitter. Criteria: LabCorp Variant Classification Summary - May 2015. Collection method: clinical testing. Allele origin: germline.
Comment: Variant summary: ABCC8 c.695G>A (p.Trp232X) results in a premature termination codon, predicted to cause a truncation of the encoded protein or absence of the protein due to nonsense mediated decay, which are commonly known mechanisms for disease. The variant was absent in 277230 control chromosomes. c.695G>A has been reported in the literature in individuals affected with Congenital Hyperinsulinism (Petraitien_2014, Snider_2013). These data indicate that the variant may be associated with disease. To our knowledge, no experimental evidence demonstrating an impact on protein function has been reported. No clinical diagnostic laboratories have submitted clinical-significance assessments for this variant to ClinVar after 2014. Based on the evidence outlined above, the variant was classified as pathogenic.

Clinical Genomics, Uppaluri K&H Personalized Medicine Clinic
Classification: Uncertain risk allele for Maturity-onset diabetes of the young. Last evaluated: 2024-05-27. Review status: flagged submission. Criteria: K And H Uppaluri Personalized Medicine Clinic Variant Classification And Assertion Criteria Updated V 2. Collection method: research. Allele origin: unknown. Not counted in ClinVar's aggregate classification.
Comment: This variant is found to be a potent moderate impact variant with a CADD score of 39 and sufficient scientific evidence to support gene-disease correlation. However, since this is not a high impact variant and has no variant evidence, this variant is reclassified as Uncertain Risk Allele
ClinVar note: Reason: Outlier claim with insufficient supporting evidence

Clinical Genomics, Uppaluri K&H Personalized Medicine Clinic
Classification: Uncertain risk allele for Neonatal diabetes mellitus. Last evaluated: 2024-05-27. Review status: flagged submission. Criteria: K And H Uppaluri Personalized Medicine Clinic Variant Classification And Assertion Criteria Updated V 2. Collection method: research. Allele origin: unknown. Not counted in ClinVar's aggregate classification.
Comment: This variant is found to be a potent moderate impact, variant with a CADD score of 39 and sufficient scientific evidence of gene-disease correlation. However, since this is not a high impact variant and no variant evidence, this variant is reclassified as Uncertain risk allele.
ClinVar note: Reason: Outlier claim with insufficient supporting evidence

Literature cited by the submitters: PubMed 20685672 (cited by Labcorp Genetics (formerly Invitae), Labcorp); PubMed 23345197 (cited by Labcorp Genetics (formerly Invitae), Labcorp); PubMed 23275527 (cited by Labcorp Genetics (formerly Invitae), Labcorp and Women's Health and Genetics/Laboratory Corporation of America, LabCorp); PubMed 25323548 (cited by Women's Health and Genetics/Laboratory Corporation of America, LabCorp); PubMed 31216263 (cited by Clinical Genomics, Uppaluri K&H Personalized Medicine Clinic); PubMed 38095268 (cited by Clinical Genomics, Uppaluri K&H Personalized Medicine Clinic); PubMed 38513803 (cited by Clinical Genomics, Uppaluri K&H Personalized Medicine Clinic); PubMed 32376986 (cited by Clinical Genomics, Uppaluri K&H Personalized Medicine Clinic); PubMed 20922570 (cited by Clinical Genomics, Uppaluri K&H Personalized Medicine Clinic); PubMed 17389331 (cited by Clinical Genomics, Uppaluri K&H Personalized Medicine Clinic); PubMed 17919176 (cited by Clinical Genomics, Uppaluri K&H Personalized Medicine Clinic); PubMed 21738553 (cited by Clinical Genomics, Uppaluri K&H Personalized Medicine Clinic); PubMed 33013711 (cited by Clinical Genomics, Uppaluri K&H Personalized Medicine Clinic).

NM_000352.6(ABCC8):c.695G>A (p.Trp232Ter)

Gene: ABCC8 (ATP binding cassette subfamily C member 8; minus strand). Cytogenetic location: 11p15.1.
Variant type: single nucleotide variant.
Coding change: c.695G>A on transcript NM_000352.6 (MANE Select); coding-DNA position 695, G replaced by A.
Protein change: p.Trp232Ter; replaces tryptophan 232 with a stop codon.
Molecular consequence: nonsense. On other transcripts: non-coding transcript variant (1).
Genome position (GRCh38, 1-based): chr11:17,461,710, C>T on the plus strand (G>A on the coding strand, the complement: ABCC8 is on the minus strand). VCF-style: chr11-17461710-C-T. GRCh37 (hg19) VCF-style: chr11-17483257-C-T.
Other names: c.695G>A, p.Trp232Ter (NM_001287174.3, NM_001351295.2, NM_001351296.2 and 1 more transcripts); short protein forms W232*.
Identifiers: ClinVar variation 633027 (VCV000633027.16), dbSNP rs1564977373, ClinGen allele CA379778669.
Genomic context (GRCh38, chr11:17,461,710, plus strand): 5'-TTCCCGATGGCTCGCAAGTCGATGGGCTTCTTGTGGGCAGTCTTGATGAAGGCGTTCATC[C>T]ACCAGTAGGTGCCTTTGGACAGCAGATTCACGAAGGGCTGCAGGAAGCGTACCCCCAGGT-3'